The following is an entry in ClinVar:

NM_006766.5(KAT6A):c.3392del (p.Arg1131fs)

Gene: KAT6A (lysine acetyltransferase 6A; minus strand). Cytogenetic location: 8p11.21.
Variant type: Deletion.
Coding change: c.3392del on transcript NM_006766.5 (MANE Select); coding-DNA position 3392, one base deleted (G; older notation c.3392delG).
Protein change: p.Arg1131fs; shifts the reading frame from arginine 1131.
Molecular consequence: frameshift variant.
Genome position (GRCh38, 1-based): chr8:41,934,828, C deleted on the plus strand (G on the coding strand, the reverse complement: KAT6A is on the minus strand). VCF-style (leftmost placement, unchanged base first): chr8-41934827-AC-A. GRCh37 (hg19) VCF-style: chr8-41792345-AC-A.
Other names: NP_006757.2:p.Arg1131LeufsTer3; short protein forms R1131fs.
Identifiers: ClinVar variation 4884870 (VCV004884870.1).
Genomic context (GRCh38, chr8:41,934,827, plus strand): 5'-TCCCTTTTTCTTTTTCAAAGGTGTGGATGTATCTGGCTCAAGAGGAGAATTCTTCACATC[AC>A]GTTTTCGCAAAAGAGATACTGGCTTTAAGATAGGAGTGTCTATACAGGAAGGAAAAAAAA-3'

ClinVar aggregate classification (germline): Likely pathogenic (1 of 4 stars; one submission).

Conditions:
Autosomal dominant intellectual disability-craniofacial anomalies-cardiac defects syndrome (ARTHS). Also called: KAT6A syndrome; Arboleda-Tham syndrome; Mental retardation, autosomal dominant 32. Identifiers: Orphanet 457193, MedGen C4225396, MONDO:0014558, OMIM 616268.

Submission:

Department of Rehabilitation, Anhui Provincial Children's Hospital
Classification: Likely pathogenic for Autosomal dominant intellectual disability-craniofacial anomalies-cardiac defects syndrome. Last evaluated: 2026-08-19. Review status: criteria provided, single submitter. Criteria: ACMG Guidelines, 2015. Collection method: research. Allele origin: de novo. Affected: yes. Observed: 1 variant allele.
Comment: The NM_006766.5:c.3392del (p.Arg1131LeufsTer3) variant is a truncating variant in the terminal exon of KAT6A and is predicted to escape classical nonsense-mediated decay while affecting more than 10% of the C-terminal protein sequence (PVS1_Strong). The variant is absent from population databases including gnomAD (PM2_Supporting). Based on ACMG/AMP criteria with ClinGen-informed evidence weighting, this variant is classified as likely pathogenic.